The following is an entry in ClinVar:

NM_177531.6(PKHD1L1):c.8946dup (p.Gln2983fs)

Gene: PKHD1L1 (PKHD1 like 1; plus strand). Cytogenetic location: 8q23.1.
Variant type: Duplication.
Coding change: c.8946dup on transcript NM_177531.6 (MANE Select); coding-DNA position 8946, one base duplicated (T; older notation c.8946dupT).
Protein change: p.Gln2983fs; shifts the reading frame from glutamine 2983.
Molecular consequence: frameshift variant.
Genome position (GRCh38, 1-based): chr8:109,477,253, T duplicated. VCF-style (leftmost placement, unchanged base first): chr8-109477252-G-GT. GRCh37 (hg19) VCF-style: chr8-110489481-G-GT.
Other names: c.8946dupT (NM_177531.6); short protein forms Q2983fs.
Identifiers: ClinVar variation 4845900 (VCV004845900.1).

ClinVar aggregate classification (germline): Likely pathogenic (1 of 4 stars; one submission).

Conditions:
Autosomal recessive nonsyndromic hearing loss 124. Also called: DEAFNESS, AUTOSOMAL RECESSIVE 124. Identifiers: MedGen C5935612, MONDO:0968981, OMIM 620794.

Submission:

First Genomix Gene Laboratory, Genetic Diagnostics Department
Classification: Likely pathogenic for Autosomal recessive nonsyndromic hearing loss 124. Last evaluated: 2025-05-02. Review status: criteria provided, single submitter. Criteria: ACMG Guidelines, 2015. Collection method: clinical testing. Allele origin: germline. Inheritance: Autosomal recessive inheritance. Affected: no. Observed: 1 variant allele.